The following is an entry in ClinVar:

NM_001278116.2(L1CAM):c.22G>C (p.Val8Leu)

Gene: L1CAM (L1 cell adhesion molecule; minus strand). Cytogenetic location: Xq28.
Variant type: single nucleotide variant.
Coding change: c.22G>C on transcript NM_001278116.2 (MANE Select); coding-DNA position 22, G replaced by C.
Protein change: p.Val8Leu; replaces valine 8 with leucine.
Molecular consequence: missense variant.
Genome position (GRCh38, 1-based): chrX:153,875,815, C>G on the plus strand (G>C on the coding strand, the complement: L1CAM is on the minus strand). VCF-style: chrX-153875815-C-G. GRCh37 (hg19) VCF-style: chrX-153141270-C-G.
Other names: c.22G>C, p.Val8Leu (NM_024003.3, NM_000425.5, NM_001143963.2); short protein forms V8L.
Identifiers: ClinVar variation 2916628 (VCV002916628.3), dbSNP rs2064809371, ClinGen allele CA415143174.

ClinVar aggregate classification (germline): Uncertain significance (1 of 4 stars; one submission).

Conditions:
Spastic paraplegia. Identifiers: MedGen C0037772, HP:0001258.

gnomAD v4.1: 2 of 1,209,520 alleles (0.00017%); highest among the groups gnomAD compares: Non-Finnish European, 0.00022%; no homozygotes.

Submission:

Labcorp Genetics (formerly Invitae), Labcorp
Classification: Uncertain significance for Spastic paraplegia. Last evaluated: 2022-11-16. Review status: criteria provided, single submitter. Criteria: Invitae Variant Classification Sherloc (09022015). Collection method: clinical testing. Allele origin: germline.
Comment: This sequence change replaces valine, which is neutral and non-polar, with leucine, which is neutral and non-polar, at codon 8 of the L1CAM protein (p.Val8Leu). This variant is not present in population databases (gnomAD no frequency). This variant has not been reported in the literature in individuals affected with L1CAM-related conditions. Advanced modeling of protein sequence and biophysical properties (such as structural, functional, and spatial information, amino acid conservation, physicochemical variation, residue mobility, and thermodynamic stability) performed at Invitae indicates that this missense variant is not expected to disrupt L1CAM protein function. Algorithms developed to predict the effect of sequence changes on RNA splicing suggest that this variant may disrupt the consensus splice site. In summary, the available evidence is currently insufficient to determine the role of this variant in disease. Therefore, it has been classified as a Variant of Uncertain Significance.